The following is an entry in ClinVar:

NM_000393.5(COL5A2):c.1717-31_1717-18del

Gene: COL5A2 (collagen type V alpha 2 chain; minus strand). Cytogenetic location: 2q32.2.
Variant type: Deletion.
Coding change: c.1717-31_1717-18del on transcript NM_000393.5 (MANE Select); 31 bases into the intron before coding-DNA position 1717 through 18 bases into the intron before coding-DNA position 1717, 14 bases deleted (AACAAACTGACAGT).
Molecular consequence: intron variant.
Genome position (GRCh38, 1-based): chr2:189,064,051-189,064,064, ACTGTCAGTTTGTT deleted on the plus strand (AACAAACTGACAGT on the coding strand, the reverse complement: COL5A2 is on the minus strand). VCF-style (leftmost placement, unchanged base first): chr2-189064050-AACTGTCAGTTTGTT-A. GRCh37 (hg19) VCF-style: chr2-189928776-AACTGTCAGTTTGTT-A.
Identifiers: ClinVar variation 3689526 (VCV003689526.2).

ClinVar aggregate classification (germline): Uncertain significance (1 of 4 stars; one submission).

Conditions:
Ehlers-Danlos syndrome, classic type, 1 (EDSCL1). Also called: EHLERS-DANLOS SYNDROME, GRAVIS TYPE; EHLERS-DANLOS SYNDROME, SEVERE CLASSIC TYPE; Ehlers-Danlos syndrome, type 1; Ehlers-Danlos Syndrome, Classic Type, COL5A1-Related; EDS I. Identifiers: MedGen C0268335, MONDO:0019567, OMIM 130000.

Submission:

Labcorp Genetics (formerly Invitae), Labcorp
Classification: Uncertain significance for Ehlers-Danlos syndrome, classic type, 1. Last evaluated: 2024-07-20. Review status: criteria provided, single submitter. Criteria: Invitae Variant Classification Sherloc (09022015). Collection method: clinical testing. Allele origin: germline.
Comment: This sequence change falls in intron 25 of the COL5A2 gene. It does not directly change the encoded amino acid sequence of the COL5A2 protein. This variant is present in population databases (rs770807843, gnomAD 0.02%). This variant has not been reported in the literature in individuals affected with COL5A2-related conditions. In summary, the available evidence is currently insufficient to determine the role of this variant in disease. Therefore, it has been classified as a Variant of Uncertain Significance.